The following is an entry in ClinVar:

ClinVar aggregate classification (germline): Benign (1 of 4 stars; one submission).

Allele frequency attached by ClinVar (database versions not stated): gnomAD 0.75618 and 0.76844; TOPMed 0.76307; 1000 Genomes Project 30x 0.81636; 1000 Genomes Project 0.82688; gnomAD exomes 0.85114.
gnomAD v4.1: 430,274 of 520,284 alleles (83%); highest among the groups gnomAD compares: East Asian, 100%; 181,096 homozygotes.

Submission:

GeneDx
Classification: Benign. Last evaluated: 2018-06-14. Review status: criteria provided, single submitter. Criteria: GeneDx Variant Classification (06012015). Collection method: clinical testing. Allele origin: germline. Affected: yes.
Comment: This variant is considered likely benign or benign based on one or more of the following criteria: it is a conservative change, it occurs at a poorly conserved position in the protein, it is predicted to be benign by multiple in silico algorithms, and/or has population frequency not consistent with disease.

NM_144670.6(A2ML1):c.1080+152G>A

Gene: A2ML1 (alpha-2-macroglobulin like 1; plus strand). Cytogenetic location: 12p13.31.
Variant type: single nucleotide variant.
Coding change: c.1080+152G>A on transcript NM_144670.6 (MANE Select); 152 bases into the intron after coding-DNA position 1080, G replaced by A.
Molecular consequence: intron variant.
Genome position (GRCh38, 1-based): chr12:8,839,374, G>A. VCF-style: chr12-8839374-G-A. GRCh37 (hg19) VCF-style: chr12-8991970-G-A.
Identifiers: ClinVar variation 561534 (VCV000561534.1), dbSNP rs7304994, ClinGen allele CA15738727.
Genomic context (GRCh38, chr12:8,839,374, plus strand): 5'-TGCTGTTCCAAGTACTTTATGTGTATTCATTTTAATCTTTAGAATAATGCAATGAGGCAG[G>A]CACTGTATTGGCCCCATTTTATGGATACTGAGACAGGCAACAGAGGCTAAGTGATTTTTC-3'